The following is an entry in ClinVar:

ClinVar aggregate classification (germline): Uncertain significance (1 of 4 stars; one submission).

gnomAD v4.1: 3 of 1,614,046 alleles (0.00019%); highest among the groups gnomAD compares: African/African-American, 0.004%; no homozygotes.

Submission:

GeneDx
Classification: Uncertain significance. Last evaluated: 2026-08-03. Review status: criteria provided, single submitter. Criteria: GeneDx Variant Classification Process June 2021. Collection method: clinical testing. Allele origin: germline.
Comment: Not observed at significant frequency in large population cohorts (gnomAD); In silico analysis supports that this missense variant has a deleterious effect on protein structure/function; Has not been previously published as pathogenic or benign to our knowledge

NM_014991.6(WDFY3):c.5833T>G (p.Cys1945Gly)

Gene: WDFY3 (WD repeat and FYVE domain containing 3; minus strand). Cytogenetic location: 4q21.23.
Variant type: single nucleotide variant.
Coding change: c.5833T>G on transcript NM_014991.6 (MANE Select); coding-DNA position 5833, T replaced by G.
Protein change: p.Cys1945Gly; replaces cysteine 1945 with glycine.
Molecular consequence: missense variant.
Genome position (GRCh38, 1-based): chr4:84,751,623, A>C on the plus strand (T>G on the coding strand, the complement: WDFY3 is on the minus strand). VCF-style: chr4-84751623-A-C. GRCh37 (hg19) VCF-style: chr4-85672776-A-C.
Other names: short protein forms C1945G.
Identifiers: ClinVar variation 3342318 (VCV003342318.2).